The following is an entry in ClinVar:

NM_000071.3(CBS):c.316+722C>A

Gene: CBS (cystathionine beta-synthase; minus strand). Cytogenetic location: 21q22.3.
Variant type: single nucleotide variant.
Coding change: c.316+722C>A on transcript NM_000071.3 (MANE Select); 722 bases into the intron after coding-DNA position 316, C replaced by A.
Molecular consequence: intron variant. On other transcripts: 5 prime UTR variant (1).
Genome position (GRCh38, 1-based): chr21:43,067,787, G>T on the plus strand (C>A on the coding strand, the complement: CBS is on the minus strand). VCF-style: chr21-43067787-G-T. GRCh37 (hg19) VCF-style: chr21-44487897-G-T.
Other names: c.-9C>A (NM_001321072.1); c.316+722C>A (NM_001320298.2, NM_001178009.3, NM_001178008.3).
Identifiers: ClinVar variation 3032412 (VCV003032412.2), dbSNP rs573461233, ClinGen allele CA321099616.

ClinVar aggregate classification (germline): Likely benign (0 of 4 stars; one submission).

Conditions:
CBS-related disorder. Also called: CBS-related condition.

Allele frequency attached by ClinVar (database versions not stated): gnomAD exomes 0.00016.

Submission:

PreventionGenetics, part of Exact Sciences
Classification: Likely benign for CBS-related condition. Last evaluated: 2022-07-30. Review status: no assertion criteria provided. Collection method: clinical testing. Allele origin: germline.
Comment: This variant is classified as likely benign based on ACMG/AMP sequence variant interpretation guidelines (Richards et al. 2015 PMID: 25741868, with internal and published modifications).